The following is an entry in ClinVar:

ClinVar aggregate classification (germline): Likely pathogenic (1 of 4 stars; one submission).

Conditions:
Pontocerebellar hypoplasia type 1B. Also called: EXOSC3 Pontocerebellar Hypoplasia. Identifiers: Orphanet 2254, MedGen C3553449, MONDO:0013853, OMIM 614678.

Submission:

Juno Genomics, Hangzhou Juno Genomics, Inc
Classification: Likely pathogenic for Pontocerebellar hypoplasia type 1B. Review status: criteria provided, single submitter. Criteria: ACMG Guidelines, 2015. Collection method: clinical testing. Allele origin: germline.
Comment: Null variant in a gene where loss of function (LOF) is a known mechanism of disease.;Absent from controls (or at extremely low frequency if recessive) in Genome Aggregation Database.

NM_016042.4(EXOSC3):c.429C>G (p.Tyr143Ter)

Gene: EXOSC3 (exosome component 3; minus strand). Cytogenetic location: 9p13.2.
Variant type: single nucleotide variant.
Coding change: c.429C>G on transcript NM_016042.4 (MANE Select); coding-DNA position 429, C replaced by G.
Protein change: p.Tyr143Ter; replaces tyrosine 143 with a stop codon.
Molecular consequence: nonsense.
Genome position (GRCh38, 1-based): chr9:37,783,959, G>C on the plus strand (C>G on the coding strand, the complement: EXOSC3 is on the minus strand). VCF-style: chr9-37783959-G-C. GRCh37 (hg19) VCF-style: chr9-37783956-G-C.
Other names: c.429C>G, p.Tyr143Ter (NM_001002269.2); short protein forms Y143*.
Identifiers: ClinVar variation 5007449 (VCV005007449.2).
Genomic context (GRCh38, chr9:37,783,959, plus strand): 5'-GGCTCCCGTAATTACCTGCACATTTGGTCTGTTTCTTTTAGTTGCACCTTCAAATGACAA[G>C]TAAGACAAAGAAGCTGGCTCACTCCCTCCAACATCAACTTTGAATATATCTCCAGATTTA-3'